The following is an entry in ClinVar:

ClinVar aggregate classification (germline): Uncertain significance. Review status: criteria provided, multiple submitters, no conflicts (2 of 4 stars). 2 submissions from 2 submitters: Uncertain significance (2). Last evaluated 2025-02-18.

Conditions:
Dilated cardiomyopathy 1O (CMD1O). Also called: CARDIOMYOPATHY, DILATED, WITH VENTRICULAR TACHYCARDIA. Identifiers: Orphanet 154, MedGen C1837839, MONDO:0012062, OMIM 608569.

Allele frequency attached by ClinVar (database versions not stated): gnomAD exomes below 0.00001 and 0.00001; ExAC 0.00001; gnomAD 0.00001.
gnomAD v4.1: 7 of 1,613,322 alleles (0.00043%); highest among the groups gnomAD compares: Admixed American, 0.005%; no homozygotes.

Submissions (2):

Labcorp Genetics (formerly Invitae), Labcorp
Classification: Uncertain significance for Dilated cardiomyopathy 1O. Last evaluated: 2025-02-18. Review status: criteria provided, single submitter. Criteria: Invitae Variant Classification Sherloc (09022015). Collection method: clinical testing. Allele origin: germline.
Comment: This sequence change replaces arginine, which is basic and polar, with glutamine, which is neutral and polar, at codon 1186 of the ABCC9 protein (p.Arg1186Gln). This variant is present in population databases (rs776973456, gnomAD 0.009%). This variant has not been reported in the literature in individuals affected with ABCC9-related conditions. ClinVar contains an entry for this variant (Variation ID: 201620). Invitae Evidence Modeling of protein sequence and biophysical properties (such as structural, functional, and spatial information, amino acid conservation, physicochemical variation, residue mobility, and thermodynamic stability) indicates that this missense variant is expected to disrupt ABCC9 protein function with a positive predictive value of 95%. In summary, the available evidence is currently insufficient to determine the role of this variant in disease. Therefore, it has been classified as a Variant of Uncertain Significance.

GeneDx
Classification: Uncertain significance. Last evaluated: 2014-04-22. Review status: criteria provided, single submitter. Criteria: GeneDx Variant Classification (06012015). Collection method: clinical testing. Allele origin: germline. Affected: yes.
Comment: p.Arg1186Gln (CGG>CAG): c.3557 G>A in exon 28 of the ABCC9 gene (NM_020297.2). The R1186Q variant has not been published as a mutation, nor has it been reported as a benign polymorphism to our knowledge. The R1186Q variant was not observed in approximately 6500 individuals of European and African American ancestry in the NHLBI Exome Sequencing Project, indicating it is not a common benign variant in these populations. The R1186Q variant is a semi-conservative amino acid substitution, which may impact secondary protein structure as these residues differ in some properties. This substitution occurs at a position that is conserved across species. In silico analysis predicts this variant is probably damaging to the protein structure/function. However, missense mutations in nearby residues have not been reported, indicating this region of the protein may tolerate change. Therefore, based on the currently available information, it is unclear whether this variant is a pathogenic mutation or a rare benign variant and is interpreted to be a variant of unknown significance. The variant is found in CARDIOMYOPATHY panel(s).

NM_020297.4(ABCC9):c.3557G>A (p.Arg1186Gln)

Gene: ABCC9 (ATP binding cassette subfamily C member 9; minus strand). Cytogenetic location: 12p12.1.
Variant type: single nucleotide variant.
Coding change: c.3557G>A on transcript NM_020297.4 (MANE Select); coding-DNA position 3557, G replaced by A.
Protein change: p.Arg1186Gln; replaces arginine 1186 with glutamine.
Molecular consequence: missense variant.
Genome position (GRCh38, 1-based): chr12:21,838,087, C>T on the plus strand (G>A on the coding strand, the complement: ABCC9 is on the minus strand). VCF-style: chr12-21838087-C-T. GRCh37 (hg19) VCF-style: chr12-21991021-C-T.
Other names: p.R1186Q:CGG>CAG; c.3557G>A, p.Arg1186Gln (NM_001377273.1, NM_005691.4); c.2690G>A, p.Arg897Gln (NM_001377274.1); short protein forms R1186Q, R897Q.
Identifiers: ClinVar variation 201620 (VCV000201620.3), dbSNP rs776973456, ClinGen allele CA308201.